The following is an entry in ClinVar:

NM_181332.3(NLGN4X):c.301C>T (p.Arg101Ter)

Gene: NLGN4X (neuroligin 4 X-linked; minus strand). Cytogenetic location: Xp22.31.
Variant type: single nucleotide variant.
Coding change: c.301C>T on transcript NM_181332.3 (MANE Select); coding-DNA position 301, C replaced by T.
Protein change: p.Arg101Ter; replaces arginine 101 with a stop codon.
Molecular consequence: nonsense.
Genome position (GRCh38, 1-based): chrX:6,151,166, G>A on the plus strand (C>T on the coding strand, the complement: NLGN4X is on the minus strand). VCF-style: chrX-6151166-G-A. GRCh37 (hg19) VCF-style: chrX-6069207-G-A.
Other names: c.301C>T (NM_020742.2); c.301C>T, p.Arg101Ter (NM_001282145.2, NM_001282146.2, NM_020742.4); short protein forms R101*.
Identifiers: ClinVar variation 374392 (VCV000374392.8), dbSNP rs756651509, ClinGen allele CA10341236.
Genomic context (GRCh38, chrX:6,151,166, plus strand): 5'-GCAGTAAGGATCTCTCATCCAGGTGCTGGGGGCACACAGCAGCAAACTGAGTAGTATTTC[G>A]GATGCCAGTCCAGGAGGACGGGGGTTCTGGGGGCTGAAACCGCCTCTCTCCAGTGGGGGG-3'

ClinVar aggregate classification (germline): Pathogenic/Likely pathogenic. Review status: criteria provided, multiple submitters, no conflicts (2 of 4 stars). 5 submissions from 5 submitters: Pathogenic (1); Likely pathogenic (1). 3 of the submissions do not count toward it. Last evaluated 2022-12-09.

Conditions:
NLGN4X-related disorder. Also called: NLGN4X-related condition.
Autism, susceptibility to, X-linked 2 (AUTSX2). Also called: Autism susceptibility, X-linked 2. Identifiers: MedGen C1845539, MONDO:0010341, OMIM 300495.

Allele frequency attached by ClinVar (database versions not stated): ExAC below 0.00001.
gnomAD v4.1: 2 of 1,211,790 alleles (0.00017%); highest among the groups gnomAD compares: Non-Finnish European, 0.00022%; no homozygotes.

Submissions (5):

Blueprint Genetics
Classification: Likely pathogenic for NLGN4X-related disorders. Last evaluated: 2022-12-09. Review status: criteria provided, single submitter. Criteria: ACMG Guidelines, 2015. Collection method: clinical testing. Allele origin: germline. Affected: yes. Observed: 1 variant allele.

GeneDx
Classification: Pathogenic. Last evaluated: 2022-09-26. Review status: criteria provided, single submitter. Criteria: GeneDx Variant Classification Process June 2021. Collection method: clinical testing. Allele origin: germline. Affected: yes.
Comment: Nonsense variant predicted to result in protein truncation or nonsense mediated decay in a gene for which loss of function is a known mechanism of disease; Not observed at significant frequency in large population cohorts (gnomAD); This variant is associated with the following publications: (PMID: 27959697)

Baylor Genetics
Classification: Pathogenic for Autism, susceptibility to, X-linked 2. Last evaluated: 2016-05-01. Review status: no assertion criteria provided. Collection method: clinical testing. Allele origin: maternal. Inheritance: X-linked inheritance. Affected: yes. Not counted in ClinVar's aggregate classification.

Diagnostic Laboratory, Department of Genetics, University Medical Center Groningen
Classification: Pathogenic. Review status: no assertion criteria provided. Collection method: clinical testing. Allele origin: germline. Affected: yes. Study: VKGL Data-share Consensus. Not counted in ClinVar's aggregate classification.

Joint Genome Diagnostic Labs from Nijmegen and Maastricht, Radboudumc and MUMC+
Classification: Likely pathogenic. Review status: no assertion criteria provided. Collection method: clinical testing. Allele origin: germline. Affected: yes. Study: VKGL Data-share Consensus. Not counted in ClinVar's aggregate classification.